The following is an entry in ClinVar:

ClinVar aggregate classification (germline): Uncertain significance (1 of 4 stars; one submission).

Allele frequency attached by ClinVar (database versions not stated): gnomAD exomes below 0.00001; gnomAD 0.00001.
gnomAD v4.1: 2 of 712,488 alleles (0.00028%); highest among the groups gnomAD compares: Non-Finnish European, 0.00052%; no homozygotes.

Submission:

Labcorp Genetics (formerly Invitae), Labcorp
Classification: Uncertain significance. Last evaluated: 2024-02-17. Review status: criteria provided, single submitter. Criteria: Invitae Variant Classification Sherloc (09022015). Collection method: clinical testing. Allele origin: germline.
Comment: This sequence change affects the initiator methionine of the IFT88 mRNA. The next in-frame methionine is located at codon 10. This variant is present in population databases (no rsID available, gnomAD 0.007%). This variant has not been reported in the literature in individuals affected with IFT88-related conditions. ClinVar contains an entry for this variant (Variation ID: 1951546). Experimental studies and prediction algorithms are not available or were not evaluated, and the functional significance of this variant is currently unknown. In summary, the available evidence is currently insufficient to determine the role of this variant in disease. Therefore, it has been classified as a Variant of Uncertain Significance.

NM_006531.5(IFT88):c.-7+721A>G

Gene: IFT88 (intraflagellar transport 88; plus strand). Cytogenetic location: 13q12.11.
Variant type: single nucleotide variant.
Coding change: c.-7+721A>G on transcript NM_006531.5 (MANE Select); 721 bases into the intron after 7 bases upstream of the start codon, A replaced by G.
Molecular consequence: intron variant. On other transcripts: missense variant (9), initiator codon variant (9), 5 prime UTR variant (1), non-coding transcript variant (3).
Genome position (GRCh38, 1-based): chr13:20,567,977, A>G. VCF-style: chr13-20567977-A-G. GRCh37 (hg19) VCF-style: chr13-21142116-A-G.
Other names: c.1A>G, p.Met1Val (NM_001318493.2, NM_001353565.2, NM_001353566.2 and 6 more transcripts); c.-158A>G (NM_001353568.2); c.-7+721A>G (NM_001353572.2, NM_001353571.2, NM_001353578.2 and 4 more transcripts); c.-570+721A>G (NM_001353579.2); short protein forms M1V.
Identifiers: ClinVar variation 1951546 (VCV001951546.6), dbSNP rs1195334225, ClinGen allele CA387469940.
Genomic context (GRCh38, chr13:20,567,977, plus strand): 5'-GGGTGTCCAATCTTTGGCTTCCCTGGGCCACATCGGAAGAAGAATTGTCTTGGGCCACAC[A>G]TGAAATTCACAAACACTAAGGTAGCCGATGAGCTTTAAAAAAAATCGCAAAAAAGAATCT-3'